The following is an entry in ClinVar:

ClinVar aggregate classification (germline): Uncertain significance (1 of 4 stars; one submission).

gnomAD v4.1: 9 of 1,613,798 alleles (0.00056%); highest among the groups gnomAD compares: African/African-American, 0.0013%; no homozygotes.

Submission:

Labcorp Genetics (formerly Invitae), Labcorp
Classification: Uncertain significance. Last evaluated: 2025-10-05. Review status: criteria provided, single submitter. Criteria: Invitae Variant Classification Sherloc (09022015). Collection method: clinical testing. Allele origin: germline.
Comment: This sequence change replaces glycine, which is neutral and non-polar, with arginine, which is basic and polar, at codon 1460 of the SNRNP200 protein (p.Gly1460Arg). This variant is present in population databases (rs757863241, gnomAD 0.002%). This variant has not been reported in the literature in individuals affected with SNRNP200-related conditions. Invitae Evidence Modeling of protein sequence and biophysical properties (such as structural, functional, and spatial information, amino acid conservation, physicochemical variation, residue mobility, and thermodynamic stability) has been performed for this missense variant. However, the output from this modeling did not meet the statistical confidence thresholds required to predict the impact of this variant on SNRNP200 protein function. In summary, the available evidence is currently insufficient to determine the role of this variant in disease. Therefore, it has been classified as a Variant of Uncertain Significance.

NM_014014.5(SNRNP200):c.4378G>A (p.Gly1460Arg)

Gene: SNRNP200 (small nuclear ribonucleoprotein U5 subunit 200; minus strand). Cytogenetic location: 2q11.2.
Variant type: single nucleotide variant.
Coding change: c.4378G>A on transcript NM_014014.5 (MANE Select); coding-DNA position 4378, G replaced by A.
Protein change: p.Gly1460Arg; replaces glycine 1460 with arginine.
Molecular consequence: missense variant.
Genome position (GRCh38, 1-based): chr2:96,284,372, C>T on the plus strand (G>A on the coding strand, the complement: SNRNP200 is on the minus strand). VCF-style: chr2-96284372-C-T. GRCh37 (hg19) VCF-style: chr2-96950110-C-T.
Other names: short protein forms G1460R.
Identifiers: ClinVar variation 4699612 (VCV004699612.1).
Genomic context (GRCh38, chr2:96,284,372, plus strand): 5'-TTGGTCAGTCCCAGTCCCTCATCTGTGCTGCAAGGTCACGCCATACCCCATTCTCGCCCC[C>T]GATAAGGTGGACCTCATCCACCACGAAGAGGTTGATGTTCTGCACGTTCTTGCGCTGCTT-3'
Protein context (NP_054733.2, residues 1450-1470): LFVVDEVHLI[Gly1460Arg]GENGPVLEVI